The following is an entry in ClinVar:

NM_000443.4(ABCB4):c.3298G>A (p.Ala1100Thr)

Gene: ABCB4 (ATP binding cassette subfamily B member 4; minus strand). Cytogenetic location: 7q21.12.
Variant type: single nucleotide variant.
Coding change: c.3298G>A on transcript NM_000443.4 (MANE Select); coding-DNA position 3298, G replaced by A.
Protein change: p.Ala1100Thr; replaces alanine 1100 with threonine.
Molecular consequence: missense variant.
Genome position (GRCh38, 1-based): chr7:87,406,476, C>T on the plus strand (G>A on the coding strand, the complement: ABCB4 is on the minus strand). VCF-style: chr7-87406476-C-T. GRCh37 (hg19) VCF-style: chr7-87035792-C-T.
Other names: c.3319G>A, p.Ala1107Thr (NM_018849.3); c.3157G>A, p.Ala1053Thr (NM_018850.3); c.3298G>A (NM_000443.3); short protein forms A1100T, A1107T, A1053T.
Identifiers: ClinVar variation 502068 (VCV000502068.9), dbSNP rs31655, ClinGen allele CA4326795.
Genomic context (GRCh38, chr7:87,406,476, plus strand): 5'-TAGGCTCCTGAGACACGATTCCGAGTTGAGCTCTGAGCCACTGGACATTGAGTTTCTTTG[C>T]TTCTTGACCATCGAGAAGCTGAAAACCAAAGTCCACAAACTATAAGAAGGGTATAAAAAA-3'
Protein context (NP_000434.1, residues 1090-1110): AGTVLLDGQE[Ala1100Thr]KKLNVQWLRA

ClinVar aggregate classification (germline): Uncertain significance. Review status: criteria provided, multiple submitters, no conflicts (2 of 4 stars). 3 submissions from 3 submitters: Uncertain significance (3). Last evaluated 2026-04-14.

Conditions:
Low phospholipid associated cholelithiasis (GBD1). Also called: Gallstone cholecystitis; Gallbladder disease 1. Identifiers: Orphanet 69663, MedGen C2609268, MONDO:0010939, OMIM 600803.
Familial intrahepatic cholestasis. Identifiers: Orphanet 284385, MedGen CN296401, MONDO:0017290.
ABCB4-related disorder. Also called: ABCB4-related disorders; ABCB4-related condition.

Allele frequency attached by ClinVar (database versions not stated): 1000 Genomes Project 30x 0.00062; ESP Exome Variant Server 0.00062; gnomAD exomes 0.00005 and 0.00009; ExAC 0.00007; gnomAD 0.00034 and 0.00039; TOPMed 0.00037; 1000 Genomes Project 0.00040.
gnomAD v4.1: 126 of 1,613,766 alleles (0.0078%); highest among the groups gnomAD compares: African/African-American, 0.16%; no homozygotes.

Submissions (3):

Genomenon, Inc
Classification: Uncertain significance for Familial intrahepatic cholestasis; Low phospholipid associated cholelithiasis. Last evaluated: 2026-04-14. Review status: criteria provided, single submitter. Criteria: Genomenon Sequence Variant Interpretation Standards - Updated. Collection method: curation. Allele origin: germline. Affected: no.
Comment: ABCB4 p.Ala1100Thr (c.3298G>A) is a missense variant that changes the amino acid at residue 1100 from Alanine to Threonine. This variant has been reported in the published literature (PMID:17141228). In silico models predict that this variant is not damaging. In conclusion, we classify ABCB4 p.Ala1100Thr (c.3298G>A) as a variant of uncertain significance.

PreventionGenetics, part of Exact Sciences
Classification: Uncertain significance for ABCB4-related condition. Last evaluated: 2026-03-04. Review status: criteria provided, single submitter. Criteria: ACMG Guidelines, 2015. Collection method: clinical testing. Allele origin: germline.
Comment: The ABCB4 c.3298G>A variant is predicted to result in the amino acid substitution p.Ala1100Thr. To our knowledge, this variant has not been reported in the literature. This variant is reported in 0.12% of alleles in individuals of African descent in gnomAD. Although we suspect that this variant may benign, at this time, the clinical significance of this variant is uncertain due to the absence of conclusive functional and genetic evidence.

Eurofins Ntd Llc (ga)
Classification: Uncertain significance. Last evaluated: 2017-05-19. Review status: criteria provided, single submitter. Criteria: EGL Classification Definitions 2015. Collection method: clinical testing. Allele origin: germline. Observed: 2 variant alleles, 2 heterozygotes.

Literature cited by the submitters: PubMed 17141228 (cited by Genomenon, Inc).